The following is an entry in ClinVar:

ClinVar aggregate classification (germline): Uncertain significance (1 of 4 stars; one submission).

Submission:

Labcorp Genetics (formerly Invitae), Labcorp
Classification: Uncertain significance. Last evaluated: 2024-11-05. Review status: criteria provided, single submitter. Criteria: Invitae Variant Classification Sherloc (09022015). Collection method: clinical testing. Allele origin: germline.
Comment: This sequence change replaces serine, which is neutral and polar, with tryptophan, which is neutral and slightly polar, at codon 12 of the WHRN protein (p.Ser12Trp). This variant is not present in population databases (gnomAD no frequency). This variant has not been reported in the literature in individuals affected with WHRN-related conditions. ClinVar contains an entry for this variant (Variation ID: 1396901). An algorithm developed to predict the effect of missense changes on protein structure and function (PolyPhen-2) suggests that this variant is likely to be disruptive. In summary, the available evidence is currently insufficient to determine the role of this variant in disease. Therefore, it has been classified as a Variant of Uncertain Significance.

NM_015404.4(WHRN):c.35C>G (p.Ser12Trp)

Gene: WHRN (whirlin; minus strand). Cytogenetic location: 9q32.
Variant type: single nucleotide variant.
Coding change: c.35C>G on transcript NM_015404.4 (MANE Select); coding-DNA position 35, C replaced by G.
Protein change: p.Ser12Trp; replaces serine 12 with tryptophan.
Molecular consequence: missense variant.
Genome position (GRCh38, 1-based): chr9:114,504,767, G>C on the plus strand (C>G on the coding strand, the complement: WHRN is on the minus strand). VCF-style: chr9-114504767-G-C. GRCh37 (hg19) VCF-style: chr9-117267047-G-C.
Other names: c.35C>G, p.Ser12Trp (NM_001173425.2); short protein forms S12W.
Identifiers: ClinVar variation 1396901 (VCV001396901.6), dbSNP rs760261757, ClinGen allele CA374614788.